The following is an entry in ClinVar:

NM_176824.3(BBS7):c.1908G>A (p.Glu636=)

Gene: BBS7 (Bardet-Biedl syndrome 7; minus strand). Cytogenetic location: 4q27.
Variant type: single nucleotide variant.
Coding change: c.1908G>A on transcript NM_176824.3 (MANE Select); coding-DNA position 1908, G replaced by A.
Protein change: p.Glu636=; no amino-acid change (glutamic acid 636 retained).
Molecular consequence: synonymous variant.
Genome position (GRCh38, 1-based): chr4:121,828,252, C>T on the plus strand (G>A on the coding strand, the complement: BBS7 is on the minus strand). VCF-style: chr4-121828252-C-T. GRCh37 (hg19) VCF-style: chr4-122749407-C-T.
Other names: c.1908G>A, p.Glu636= (NM_018190.4); c.1908G>A (NM_176824.2).
Identifiers: ClinVar variation 2720585 (VCV002720585.4), dbSNP rs1032076450, ClinGen allele CA104752766.

ClinVar aggregate classification (germline): Likely benign. Review status: criteria provided, multiple submitters, no conflicts (2 of 4 stars). 2 submissions from 2 submitters: Likely benign (2). Last evaluated 2025-01-22.

Conditions:
BBS7-related disorder. Also called: BBS7-related condition.
Bardet-Biedl syndrome (BBS). Identifiers: Orphanet 110, MedGen C0752166, MONDO:0015229.

Allele frequency attached by ClinVar (database versions not stated): gnomAD exomes 0.00001; TOPMed 0.00001; gnomAD 0.00003.
gnomAD v4.1: 18 of 1,613,292 alleles (0.0011%); highest among the groups gnomAD compares: East Asian, 0.0022%; no homozygotes.

Submissions (2):

PreventionGenetics, part of Exact Sciences
Classification: Likely benign for BBS7-related condition. Last evaluated: 2025-01-22. Review status: criteria provided, single submitter. Criteria: ACMG Guidelines, 2015. Collection method: clinical testing. Allele origin: germline.
Comment: This variant is classified as likely benign based on ACMG/AMP sequence variant interpretation guidelines (Richards et al. 2015 PMID: 25741868, with internal and published modifications).

Labcorp Genetics (formerly Invitae), Labcorp
Classification: Likely benign for Bardet-Biedl syndrome. Last evaluated: 2024-10-17. Review status: criteria provided, single submitter. Criteria: Invitae Variant Classification Sherloc (09022015). Collection method: clinical testing. Allele origin: germline.